The following is an entry in ClinVar:

ClinVar aggregate classification (germline): Uncertain significance. Review status: criteria provided, multiple submitters, no conflicts (2 of 4 stars). 3 submissions from 3 submitters: Uncertain significance (3). Last evaluated 2025-06-23.

Conditions:
Inborn genetic diseases. Identifiers: MedGen C0950123, MeSH D030342.
Developmental and epileptic encephalopathy, 12 (DEE12). Identifiers: MedGen C3150988, MONDO:0013389, OMIM 613722.

Allele frequency attached by ClinVar (database versions not stated): gnomAD exomes 0.00001; ExAC 0.00005.

Submissions (3):

Labcorp Genetics (formerly Invitae), Labcorp
Classification: Uncertain significance for Developmental and epileptic encephalopathy, 12. Last evaluated: 2025-06-23. Review status: criteria provided, single submitter. Criteria: Invitae Variant Classification Sherloc (09022015). Collection method: clinical testing. Allele origin: germline.
Comment: This sequence change replaces arginine, which is basic and polar, with tryptophan, which is neutral and slightly polar, at codon 462 of the PNKP protein (p.Arg462Trp). The frequency data for this variant in the population databases is considered unreliable, as metrics indicate poor data quality at this position in the gnomAD database. This variant has not been reported in the literature in individuals affected with PNKP-related conditions. ClinVar contains an entry for this variant (Variation ID: 589516). An algorithm developed to predict the effect of missense changes on protein structure and function (PolyPhen-2) suggests that this variant is likely to be disruptive. In summary, the available evidence is currently insufficient to determine the role of this variant in disease. Therefore, it has been classified as a Variant of Uncertain Significance.

Ambry Genetics
Classification: Uncertain significance for Inborn genetic diseases. Last evaluated: 2025-05-02. Review status: criteria provided, single submitter. Criteria: Ambry Variant Classification Scheme 2023. Collection method: clinical testing. Allele origin: germline.

GeneDx
Classification: Uncertain significance. Last evaluated: 2019-05-06. Review status: criteria provided, single submitter. Criteria: GeneDx Variant Classification Process June 2021. Collection method: clinical testing. Allele origin: germline. Affected: yes.
Comment: Not observed at a significant frequency in large population cohorts (Lek et al., 2016); In silico analysis, which includes protein predictors and evolutionary conservation, supports a deleterious effect; Has not been previously published as pathogenic or benign to our knowledge

NM_007254.4(PNKP):c.1384C>T (p.Arg462Trp)

Gene: PNKP (polynucleotide kinase 3'-phosphatase; minus strand). Cytogenetic location: 19q13.33.
Variant type: single nucleotide variant.
Coding change: c.1384C>T on transcript NM_007254.4 (MANE Select); coding-DNA position 1384, C replaced by T.
Protein change: p.Arg462Trp; replaces arginine 462 with tryptophan.
Molecular consequence: missense variant.
Genome position (GRCh38, 1-based): chr19:49,861,610, G>A on the plus strand (C>T on the coding strand, the complement: PNKP is on the minus strand). VCF-style: chr19-49861610-G-A. GRCh37 (hg19) VCF-style: chr19-50364867-G-A.
Other names: short protein forms R462W.
Identifiers: ClinVar variation 589516 (VCV000589516.15), dbSNP rs778893834, ClinGen allele CA9586440.